The following is an entry in ClinVar:

NM_006302.3(MOGS):c.1250T>C (p.Val417Ala)

Gene: MOGS (mannosyl-oligosaccharide glucosidase; minus strand). Cytogenetic location: 2p13.1.
Variant type: single nucleotide variant.
Coding change: c.1250T>C on transcript NM_006302.3 (MANE Select); coding-DNA position 1250, T replaced by C.
Protein change: p.Val417Ala; replaces valine 417 with alanine.
Molecular consequence: missense variant.
Genome position (GRCh38, 1-based): chr2:74,462,539, A>G on the plus strand (T>C on the coding strand, the complement: MOGS is on the minus strand). VCF-style: chr2-74462539-A-G. GRCh37 (hg19) VCF-style: chr2-74689666-A-G.
Other names: c.932T>C, p.Val311Ala (NM_001146158.2); short protein forms V311A, V417A.
Identifiers: ClinVar variation 2177637 (VCV002177637.3), dbSNP rs1572920416, ClinGen allele CA347374011.
Genomic context (GRCh38, chr2:74,462,539, plus strand): 5'-GCTGTAAAAAGAGGTACGGGTGGAAAGAGGGCTGGGTCCACCTTCTGCTCAGACCCTTCC[A>G]CCCCGATGTCTGGCAATACCAGCCCTTGTCCGTAGAAGTAGCCAATTCCACCAAGGAGGC-3'
Protein context (NP_006293.2, residues 407-427): GQGLVLPDIG[Val417Ala]EGSEQKVDPA

ClinVar aggregate classification (germline): Uncertain significance (1 of 4 stars; one submission).

Conditions:
MOGS-congenital disorder of glycosylation. Also called: GLUCOSIDASE I DEFICIENCY; MOGS-CDG; CDG IIb; CDG 2B. Identifiers: Orphanet 79330, MedGen C1853736, MONDO:0011629, OMIM 606056.

Allele frequency attached by ClinVar (database versions not stated): gnomAD exomes below 0.00001; TOPMed below 0.00001.
gnomAD v4.1: 1 of 1,609,330 alleles (0.000062%); highest among the groups gnomAD compares: Non-Finnish European, 0.000085%; no homozygotes.

Submission:

Labcorp Genetics (formerly Invitae), Labcorp
Classification: Uncertain significance for MOGS-congenital disorder of glycosylation. Last evaluated: 2024-10-21. Review status: criteria provided, single submitter. Criteria: Invitae Variant Classification Sherloc (09022015). Collection method: clinical testing. Allele origin: germline.
Comment: This sequence change replaces valine, which is neutral and non-polar, with alanine, which is neutral and non-polar, at codon 417 of the MOGS protein (p.Val417Ala). This variant is not present in population databases (gnomAD no frequency). This variant has not been reported in the literature in individuals affected with MOGS-related conditions. ClinVar contains an entry for this variant (Variation ID: 2177637). An algorithm developed to predict the effect of missense changes on protein structure and function outputs the following: PolyPhen-2: "Benign". The alanine amino acid residue is found in multiple mammalian species, which suggests that this missense change does not adversely affect protein function. In summary, the available evidence is currently insufficient to determine the role of this variant in disease. Therefore, it has been classified as a Variant of Uncertain Significance.